The following is an entry in ClinVar:

NM_001005242.3(PKP2):c.1033G>T (p.Gly345Trp)

Gene: PKP2 (plakophilin 2; minus strand). Cytogenetic location: 12p11.21.
Variant type: single nucleotide variant.
Coding change: c.1033G>T on transcript NM_001005242.3 (MANE Select); coding-DNA position 1033, G replaced by T.
Protein change: p.Gly345Trp; replaces glycine 345 with tryptophan.
Molecular consequence: missense variant.
Genome position (GRCh38, 1-based): chr12:32,877,847, C>A on the plus strand (G>T on the coding strand, the complement: PKP2 is on the minus strand). VCF-style: chr12-32877847-C-A. GRCh37 (hg19) VCF-style: chr12-33030781-C-A.
Other names: c.1033G>T, p.Gly345Trp (NM_001407155.1, NM_001407156.1, NM_001407157.1 and 2 more transcripts); c.706G>T, p.Gly236Trp (NM_001407158.1, NM_001407159.1, NM_001407160.1 and 1 more transcripts); short protein forms G236W, G345W.
Identifiers: ClinVar variation 3224314 (VCV003224314.1), dbSNP rs1592762989, ClinGen allele CA384361556.

ClinVar aggregate classification (germline): Uncertain significance (1 of 4 stars; one submission).

Conditions:
Cardiovascular phenotype. Identifiers: MedGen CN230736.

Submission:

Ambry Genetics
Classification: Uncertain significance for Cardiovascular phenotype. Last evaluated: 2023-09-28. Review status: criteria provided, single submitter. Criteria: Ambry Variant Classification Scheme 2023. Collection method: clinical testing. Allele origin: germline.
Comment: The p.G345W variant (also known as c.1033G>T), located in coding exon 3 of the PKP2 gene, results from a G to T substitution at nucleotide position 1033. The glycine at codon 345 is replaced by tryptophan, an amino acid with highly dissimilar properties. This amino acid position is conserved. In addition, the in silico prediction for this alteration is inconclusive. Since supporting evidence is limited at this time, the clinical significance of this alteration remains unclear.